The following is an entry in ClinVar:

NM_007294.4(BRCA1):c.5251C>T (p.Arg1751Ter)

Gene: BRCA1 (BRCA1 DNA repair associated; minus strand). Cytogenetic location: 17q21.31.
Variant type: single nucleotide variant.
Coding change: c.5251C>T on transcript NM_007294.4 (MANE Select); coding-DNA position 5251, C replaced by T.
Protein change: p.Arg1751Ter; replaces arginine 1751 with a stop codon.
Molecular consequence: nonsense. On other transcripts: non-coding transcript variant (1).
Genome position (GRCh38, 1-based): chr17:43,057,078, G>A on the plus strand (C>T on the coding strand, the complement: BRCA1 is on the minus strand). VCF-style: chr17-43057078-G-A. GRCh37 (hg19) VCF-style: chr17-41209095-G-A.
Other names: p.R1751*:CGA>TGA; 5370C>T; c.5038C>T, p.Arg1680Ter (NM_001407571.1, NM_001407894.1, NM_001407895.1 and 12 more transcripts); c.5317C>T, p.Arg1773Ter (NM_001407581.1, NM_001407582.1); c.5314C>T, p.Arg1772Ter (NM_001407583.1, NM_001407585.1, NM_001407587.1 and 1 more transcripts); c.5311C>T, p.Arg1771Ter (NM_001407590.1, NM_001407591.1); c.5251C>T, p.Arg1751Ter (NM_001407593.1, NM_001407594.1, NM_001407596.1 and 7 more transcripts); c.5248C>T, p.Arg1750Ter (NM_001407610.1, NM_001407621.1, NM_001407622.1 and 17 more transcripts); and 74 more; short protein forms R1751*, R1772*, R647*, R1704*, R1454*, R1681*, R1682*, R1703*.
Identifiers: ClinVar variation 55480 (VCV000055480.115), dbSNP rs80357123, ClinGen allele CA003389.

ClinVar aggregate classification (germline): Pathogenic. Review status: reviewed by expert panel (3 of 4 stars). 50 submissions from 49 submitters: Pathogenic (1). 49 of the submissions do not count toward it. Last evaluated 2016-04-22.

Conditions:
Inherited breast cancer and ovarian cancer.
Inherited ovarian cancer (without breast cancer).
Fanconi anemia, complementation group S (FANCS). Identifiers: MedGen C4554406, MONDO:0054748, OMIM 617883.
Pancreatic cancer, susceptibility to, 4. Identifiers: Orphanet 1333, MedGen C3280442, MONDO:0013685, OMIM 614320.
Breast-ovarian cancer, familial, susceptibility to, 1 (BROVCA1). Also called: BRCA1 Hereditary Breast and Ovarian Cancer; OVARIAN CANCER, SUSCEPTIBILITY TO. Identifiers: Orphanet 145, MedGen C2676676, MONDO:0011450, OMIM 604370. Disease mechanism: loss of function.
Familial cancer of breast. Also called: BREAST CANCER, FAMILIAL; hereditary breast carcinoma; Hereditary breast cancer. Identifiers: Orphanet 227535, MedGen C0346153, MONDO:0016419, OMIM 114480. Disease mechanism: loss of function.
BRCA1-related disorder. Also called: BRCA1-related condition.
Breast and/or ovarian cancer. Identifiers: MedGen CN221562.
Breast neoplasm. Also called: Breast Neoplasms; Neoplasm of the breast; Neoplasm of breast; Breast tumor. Identifiers: MedGen C1458155, MeSH D001943, MONDO:0021100, HP:0100013. Disease mechanism: gain of function.
Hereditary cancer-predisposing syndrome. Also called: Hereditary Cancer Syndrome; Tumor predisposition; Neoplastic Syndromes, Hereditary; Hereditary neoplastic syndrome. Identifiers: Orphanet 140162, MedGen C0027672, MeSH D009386, MONDO:0015356.
Hereditary breast ovarian cancer syndrome. Also called: Breast and ovarian cancer; BRCA1- and BRCA2-Associated Hereditary Breast and Ovarian Cancer; Hereditary breast and ovarian cancer; Hereditary breast and ovarian cancer syndrome (HBOC); Hereditary breast and ovarian cancer syndrome; Hereditary breast and/or ovarian cancer syndrome. Identifiers: Orphanet 145, MedGen C0677776, MeSH D061325, MONDO:0003582. Disease mechanism: loss of function.

Allele frequency attached by ClinVar (database versions not stated): gnomAD exomes 0.00001; gnomAD 0.00003.
gnomAD v4.1: 6 of 1,613,918 alleles (0.00037%); highest among the groups gnomAD compares: East Asian, 0.0022%; no homozygotes.

Submissions 1 to 10 of 52:

Evidence-based Network for the Interpretation of Germline Mutant Alleles (ENIGMA)
Classification: Pathogenic for Breast-ovarian cancer, familial, susceptibility to, 1. Last evaluated: 2016-04-22. Review status: reviewed by expert panel. Criteria: ENIGMA BRCA1/2 Classification Criteria (2015). Collection method: curation. Allele origin: germline.
Comment: Variant allele predicted to encode a truncated non-functional protein.

Genomics and Molecular Medicine Service, East Genomic Laboratory Hub, NHS Genomic Medicine Service
Classification: Pathogenic for Inherited breast cancer and ovarian cancer. Last evaluated: 2026-08-03. Review status: criteria provided, single submitter. Criteria: ACGS Best Practice Guidelines for Variant Classification in Rare Disease 2020. Collection method: clinical testing. Allele origin: germline. Affected: yes. Not counted in ClinVar's aggregate classification.
Comment: PVS1,PS4_Very Strong,PM2_Supporting,PM5_Strong,PP4_Strong

Dasa
Classification: Pathogenic for Breast-ovarian cancer, familial, susceptibility to, 1. Last evaluated: 2026-04-28. Review status: criteria provided, single submitter. Criteria: DASA Assertion Criteria. Collection method: clinical testing. Allele origin: germline. Not counted in ClinVar's aggregate classification.
Comment: NM_007294.4(BRCA1):c.5251C>T (p.Arg1751Ter) introduces a premature termination codon predicted to result in loss of normal protein function. Loss-of-function is an established mechanism of disease for this gene. Functional evidence supports a deleterious effect on the gene or gene product (PMID: 30209399; PMID: 32856862; PMID: 33478551; PMID: 12142080; PMID: 29492181). This variant has been recurrently observed in individuals with Breast-ovarian cancer, familial, susceptibility to, 1 (PMID: 30209399; PMID: 32856862; PMID: 33478551; PMID: 12142080; PMID: 29492181). The variant is present at low frequency in population datasets. Based on the available data, this variant is classified as pathogenic.

Genomics and Molecular Medicine Service, East Genomic Laboratory Hub, NHS Genomic Medicine Service
Classification: Pathogenic for Inherited ovarian cancer (without breast cancer). Last evaluated: 2026-01-26. Review status: criteria provided, single submitter. Criteria: ACGS Best Practice Guidelines for Variant Classification in Rare Disease 2020. Collection method: clinical testing. Allele origin: germline. Affected: yes. Not counted in ClinVar's aggregate classification.
Comment: the same text as in the submission from Genomics and Molecular Medicine Service, East Genomic Laboratory Hub, NHS Genomic Medicine Service above.

Labcorp Genetics (formerly Invitae), Labcorp
Classification: Pathogenic for Hereditary breast ovarian cancer syndrome. Last evaluated: 2026-01-26. Review status: criteria provided, single submitter. Criteria: Invitae Variant Classification Sherloc (09022015). Collection method: clinical testing. Allele origin: germline. Not counted in ClinVar's aggregate classification.
Comment: This sequence change creates a premature translational stop signal (p.Arg1751*) in the BRCA1 gene. It is expected to result in an absent or disrupted protein product. Loss-of-function variants in BRCA1 are known to be pathogenic (PMID: 20104584). This variant is present in population databases (rs80357123, gnomAD 0.005%). This premature translational stop signal has been observed in individual(s) with prostate cancer and breast and ovarian cancer (PMID: 9361038, 21232165, 21324516, 24010542, 25428789, 27433846). This variant is also known as 5370C>T. ClinVar contains an entry for this variant (Variation ID: 55480). For these reasons, this variant has been classified as Pathogenic.

Praxis Für Humangenetik, Biosciencia MVZ Labor Saar
Classification: Pathogenic for Hereditary cancer-predisposing syndrome. Last evaluated: 2026-01-15. Review status: criteria provided, single submitter. Criteria: ACMG Guidelines, 2015. Collection method: clinical testing. Allele origin: germline. Not counted in ClinVar's aggregate classification.
Comment: PVS1, PS4, PM2

CeGaT Center for Human Genetics Tuebingen
Classification: Pathogenic. Last evaluated: 2025-09-01. Review status: criteria provided, single submitter. Criteria: CeGaT Center For Human Genetics Tuebingen Variant Classification Criteria Version 2. Collection method: clinical testing. Allele origin: germline. Affected: yes. Observed: 3 variant alleles. Not counted in ClinVar's aggregate classification.
Comment: BRCA1: PVS1, PS4, PM2

Center for Genomic Medicine, Rigshospitalet, Copenhagen University Hospital
Classification: Pathogenic. Last evaluated: 2025-03-04. Review status: criteria provided, single submitter. Criteria: ACMG Guidelines, 2015. Collection method: clinical testing. Allele origin: germline. Not counted in ClinVar's aggregate classification.

Ambry Genetics
Classification: Pathogenic for Hereditary cancer-predisposing syndrome. Last evaluated: 2024-12-13. Review status: criteria provided, single submitter. Criteria: Ambry Variant Classification Scheme 2023. Collection method: clinical testing. Allele origin: germline. Not counted in ClinVar's aggregate classification.
Comment: The p.R1751* pathogenic mutation (also known as c.5251C>T), located in coding exon 18 of the BRCA1 gene, results from a C to T substitution at nucleotide position 5251. This changes the amino acid from an arginine to a stop codon within coding exon 18. This mutation has been reported in multiple breast and/or ovarian cancer families from various ethnicities to date and has been described as a European founder mutation (Vehmanen P et al. Hum. Mol. Genet. 1997 Dec;6:2309-15; Sinilnikova OM et al. Fam. Cancer. 2006;5:15-20; Papi L et al. Breast Cancer Res. Treat. 2009 Oct;117:497-504; Janaviius R. EPMA J. 2010 Sep;1:397-412; Stegel V et al. BMC Med. Genet. 2011 Jan;12:9; Zhang S et al. Gynecol. Oncol. 2011 May;121:353-7; Konstantopoulou I et al. Clin. Genet. 2014 Jan;85:36-42; Szwiec M et al. Clin. Genet. 2015 Mar;87:288-92; Zhang J et al. Breast Cancer Res. Treat. 2016 Aug;158:455-62; Alemar B et al. Cancer Genet. 2016 Sep;209:417-422; Rebbeck TR et al. Breast Cancer Res. 2016 Nov;18:112; Meisel C et al. Arch. Gynecol. Obstet. 2017 May;295:1227-1238). This mutation has also been reported in gastric cancer patients (awniczak M et al. Hered Cancer Clin Pract. 2016 Jan;14:3), as well as in a study of men with metastatic prostate cancer (Pritchard CC et al. N. Engl. J. Med. 2016 Aug;375:443-53). One functional study found that this nucleotide substitution is non-functional in a high-throughput, genome editing, haploid cell survival assay (Findlay GM et al. Nature, 2018 10;562:217-222). Of note, this mutation is also designated as 5370C>T in published literature. In addition to the clinical data presented in the literature, this alteration is expected to result in loss of function by premature protein truncation or nonsense-mediated mRNA decay. As such, this alteration is interpreted as a disease-causing mutation.

Genomic Medicine Center of Excellence, King Faisal Specialist Hospital and Research Centre
Classification: Pathogenic for Breast-ovarian cancer, familial, susceptibility to, 1. Last evaluated: 2024-03-26. Review status: criteria provided, single submitter. Criteria: ACMG Guidelines, 2015. Collection method: clinical testing. Allele origin: germline. Not counted in ClinVar's aggregate classification.